The following is an entry in ClinVar:

ClinVar aggregate classification (germline): Uncertain significance (1 of 4 stars; one submission).

Submission:

Labcorp Genetics (formerly Invitae), Labcorp
Classification: Uncertain significance. Last evaluated: 2025-11-09. Review status: criteria provided, single submitter. Criteria: Invitae Variant Classification Sherloc (09022015). Collection method: clinical testing. Allele origin: germline.
Comment: This sequence change replaces alanine, which is neutral and non-polar, with threonine, which is neutral and polar, at codon 218 of the MMP14 protein (p.Ala218Thr). This variant is not present in population databases (gnomAD no frequency). This variant has not been reported in the literature in individuals affected with MMP14-related conditions. Invitae Evidence Modeling of protein sequence and biophysical properties (such as structural, functional, and spatial information, amino acid conservation, physicochemical variation, residue mobility, and thermodynamic stability) indicates that this missense variant is not expected to disrupt MMP14 protein function with a negative predictive value of 80%. In summary, the available evidence is currently insufficient to determine the role of this variant in disease. Therefore, it has been classified as a Variant of Uncertain Significance.

NM_004995.4(MMP14):c.652G>A (p.Ala218Thr)

Gene: MMP14 (matrix metallopeptidase 14; plus strand). Cytogenetic location: 14q11.2.
Variant type: single nucleotide variant.
Coding change: c.652G>A on transcript NM_004995.4 (MANE Select); coding-DNA position 652, G replaced by A.
Protein change: p.Ala218Thr; replaces alanine 218 with threonine.
Molecular consequence: missense variant.
Genome position (GRCh38, 1-based): chr14:22,842,681, G>A. VCF-style: chr14-22842681-G-A. GRCh37 (hg19) VCF-style: chr14-23311890-G-A.
Other names: short protein forms A218T.
Identifiers: ClinVar variation 4741685 (VCV004741685.1).